The following is an entry in ClinVar:

ClinVar aggregate classification (germline): Uncertain significance. Review status: criteria provided, multiple submitters, no conflicts (2 of 4 stars). 2 submissions from 2 submitters: Uncertain significance (2). Last evaluated 2024-03-21.

Conditions:
Inborn genetic diseases. Identifiers: MedGen C0950123, MeSH D030342.

Allele frequency attached by ClinVar (database versions not stated): TOPMed 0.00010; ESP Exome Variant Server 0.00015; 1000 Genomes Project 0.00020; gnomAD exomes 0.00021; ExAC 0.00031; 1000 Genomes Project 30x 0.00047.
gnomAD v4.1: 297 of 1,614,204 alleles (0.018%); highest among the groups gnomAD compares: South Asian, 0.18%; 1 homozygote.

Submissions (2):

Ambry Genetics
Classification: Uncertain significance for Inborn genetic diseases. Last evaluated: 2024-03-21. Review status: criteria provided, single submitter. Criteria: Ambry Variant Classification Scheme 2023. Collection method: clinical testing. Allele origin: germline.

Labcorp Genetics (formerly Invitae), Labcorp
Classification: Uncertain significance. Last evaluated: 2022-07-15. Review status: criteria provided, single submitter. Criteria: Invitae Variant Classification Sherloc (09022015). Collection method: clinical testing. Allele origin: germline.
Comment: This sequence change replaces serine, which is neutral and polar, with asparagine, which is neutral and polar, at codon 253 of the VAC14 protein (p.Ser253Asn). This variant is present in population databases (rs149251040, gnomAD 0.1%). This variant has not been reported in the literature in individuals affected with VAC14-related conditions. ClinVar contains an entry for this variant (Variation ID: 1405570). Algorithms developed to predict the effect of missense changes on protein structure and function (SIFT, PolyPhen-2, Align-GVGD) all suggest that this variant is likely to be tolerated. In summary, the available evidence is currently insufficient to determine the role of this variant in disease. Therefore, it has been classified as a Variant of Uncertain Significance.

NM_018052.5(VAC14):c.758G>A (p.Ser253Asn)

Gene: VAC14 (VAC14 component of PIKFYVE complex; minus strand). Cytogenetic location: 16q22.1.
Variant type: single nucleotide variant.
Coding change: c.758G>A on transcript NM_018052.5 (MANE Select); coding-DNA position 758, G replaced by A.
Protein change: p.Ser253Asn; replaces serine 253 with asparagine.
Molecular consequence: missense variant.
Genome position (GRCh38, 1-based): chr16:70,783,086, C>T on the plus strand (G>A on the coding strand, the complement: VAC14 is on the minus strand). VCF-style: chr16-70783086-C-T. GRCh37 (hg19) VCF-style: chr16-70816989-C-T.
Other names: c.56G>A, p.Ser19Asn (NM_001351157.2); c.758G>A (NM_018052.3); short protein forms S253N, S19N.
Identifiers: ClinVar variation 1405570 (VCV001405570.4), dbSNP rs149251040, ClinGen allele CA8147970.
Genomic context (GRCh38, chr16:70,783,086, plus strand): 5'-TACTCACCTGTTGTCTGGCAGTGGATCACCAGGATGTTGGCCATCTCAGCAAACTTCACA[C>T]TGGAGGGGTTCTTCTTAATTTCTTTTAAGAATTCTCCAAGAACAACCTCACACCTATGAA-3'
Protein context (NP_060522.3, residues 243-263): FLKEIKKNPS[Ser253Asn]VKFAEMANIL